The following is an entry in ClinVar:

NM_000142.5(FGFR3):c.169G>A (p.Val57Met)

Gene: FGFR3 (fibroblast growth factor receptor 3; plus strand). Cytogenetic location: 4p16.3.
Variant type: single nucleotide variant.
Coding change: c.169G>A on transcript NM_000142.5 (MANE Select); coding-DNA position 169, G replaced by A.
Protein change: p.Val57Met; replaces valine 57 with methionine.
Molecular consequence: missense variant. On other transcripts: non-coding transcript variant (1).
Genome position (GRCh38, 1-based): chr4:1,799,313, G>A. VCF-style: chr4-1799313-G-A. GRCh37 (hg19) VCF-style: chr4-1801040-G-A.
Other names: c.169G>A, p.Val57Met (NM_001163213.2, NM_001354809.2, NM_001354810.2 and 1 more transcripts); short protein forms V57M.
Identifiers: ClinVar variation 134398 (VCV000134398.19), dbSNP rs61735064, ClinGen allele CA159691.

ClinVar aggregate classification (germline): Benign/Likely benign. Review status: criteria provided, multiple submitters, no conflicts (2 of 4 stars). 5 submissions from 5 submitters: Benign (2); Likely benign (2). 1 of the submissions does not count toward it. Last evaluated 2026-01-12.

Allele frequency attached by ClinVar (database versions not stated): 1000 Genomes Project 30x 0.00125; gnomAD 0.00163 and 0.00149; TOPMed 0.00185; gnomAD exomes 0.00031 and 0.00011; ExAC 0.00038; 1000 Genomes Project 0.00160; ESP Exome Variant Server 0.00139.
gnomAD v4.1: 415 of 1,612,696 alleles (0.026%); highest among the groups gnomAD compares: African/African-American, 0.42%; no homozygotes.

Submissions (5):

Labcorp Genetics (formerly Invitae), Labcorp
Classification: Likely benign. Last evaluated: 2026-01-12. Review status: criteria provided, single submitter. Criteria: Invitae Variant Classification Sherloc (09022015). Collection method: clinical testing. Allele origin: germline.

GeneDx
Classification: Benign. Last evaluated: 2019-04-18. Review status: criteria provided, single submitter. Criteria: GeneDx Variant Classification Process June 2021. Collection method: clinical testing. Allele origin: germline. Affected: yes.

Eurofins Ntd Llc (ga)
Classification: Likely benign. Last evaluated: 2016-03-04. Review status: criteria provided, single submitter. Criteria: EGL Classification Definitions 2015. Collection method: clinical testing. Allele origin: germline. Observed: 1 variant allele, 1 heterozygote.

PreventionGenetics, part of Exact Sciences
Classification: Benign. Review status: criteria provided, single submitter. Criteria: ACMG Guidelines, 2015. Collection method: clinical testing. Allele origin: germline.

ITMI
No classification provided. Condition: AllHighlyPenetrant. Last evaluated: 2013-09-19. Review status: no classification provided. Collection method: reference population. Allele origin: germline. Not counted in ClinVar's aggregate classification.
Comment: Please see associated publication for description of ethnicities

Literature cited by the submitters: PubMed 24728327 (cited by ITMI).